The following is an entry in ClinVar:

NM_001253697.2(ERBIN):c.2776G>T (p.Val926Leu)

Gene: ERBIN (erbb2 interacting protein; plus strand). Cytogenetic location: 5q12.3.
Variant type: single nucleotide variant.
Coding change: c.2776G>T on transcript NM_001253697.2 (MANE Select); coding-DNA position 2776, G replaced by T.
Protein change: p.Val926Leu; replaces valine 926 with leucine.
Molecular consequence: missense variant.
Genome position (GRCh38, 1-based): chr5:66,054,094, G>T. VCF-style: chr5-66054094-G-T. GRCh37 (hg19) VCF-style: chr5-65349922-G-T.
Other names: c.2776G>T, p.Val926Leu (NM_001006600.3, NM_001253698.2, NM_001253699.2 and 1 more transcripts); c.2764G>T, p.Val922Leu (NM_001253701.2); short protein forms V922L, V926L.
Identifiers: ClinVar variation 1064212 (VCV001064212.10), dbSNP rs747510014, ClinGen allele CA3286539.

ClinVar aggregate classification (germline): Uncertain significance (1 of 4 stars; one submission).

Allele frequency attached by ClinVar (database versions not stated): ExAC 0.00001; gnomAD exomes 0.00002 and 0.00004.
gnomAD v4.1: 39 of 1,614,036 alleles (0.0024%); highest among the groups gnomAD compares: African/African-American, 0.0053%; no homozygotes.

Submission:

Labcorp Genetics (formerly Invitae), Labcorp
Classification: Uncertain significance. Last evaluated: 2026-01-11. Review status: criteria provided, single submitter. Criteria: Invitae Variant Classification Sherloc (09022015). Collection method: clinical testing. Allele origin: germline.
Comment: This sequence change replaces valine, which is neutral and non-polar, with leucine, which is neutral and non-polar, at codon 926 of the ERBIN protein (p.Val926Leu). This variant is present in population databases (rs747510014, gnomAD 0.008%). This variant has not been reported in the literature in individuals affected with ERBIN-related conditions. ClinVar contains an entry for this variant (Variation ID: 1064212). An algorithm developed to predict the effect of missense changes on protein structure and function (PolyPhen-2) suggests that this variant is likely to be tolerated. In summary, the available evidence is currently insufficient to determine the role of this variant in disease. Therefore, it has been classified as a Variant of Uncertain Significance.